The following is an entry in ClinVar:

NM_001365902.3(NFIX):c.267_268delinsC (p.Glu89fs)

Gene: NFIX (nuclear factor I X; plus strand). Cytogenetic location: 19p13.13.
Variant type: Indel.
Coding change: c.267_268delinsC on transcript NM_001365902.3 (MANE Select); coding-DNA positions 267 to 268, GG replaced by C.
Protein change: p.Glu89fs; shifts the reading frame from glutamic acid 89.
Molecular consequence: frameshift variant.
Genome position (GRCh38, 1-based): chr19:13,025,260-13,025,261, GG replaced by C. VCF-style: chr19-13025260-GG-C. GRCh37 (hg19) VCF-style: chr19-13136074-GG-C.
Other names: c.291_292delinsC, p.Glu97fs (NM_001271043.2); c.243_244delinsC, p.Glu81fs (NM_001271044.3, NM_001378404.1); c.267_268delinsC, p.Glu89fs (NM_001365982.2, NM_002501.4); c.126_127delinsC, p.Glu42fs (NM_001365983.2); c.264_265delinsC, p.Glu88fs (NM_001365984.2, NM_001365985.2); c.315_316delinsC, p.Glu105fs (NM_001378405.1); c.291_292delGGinsC (NM_001271043.2); short protein forms E88fs, E89fs, E97fs, E42fs, E81fs, E105fs.
Identifiers: ClinVar variation 423194 (VCV000423194.2), dbSNP rs1064796288, ClinGen allele CA16620768.
Genomic context (GRCh38, chr19:13,025,260, plus strand): 5'-GAAGTGGGCATCCCGGCTGCTGGCCAAGCTGCGCAAGGACATCCGGCCCGAGTTCCGCGA[GG>C]ACTTCGTGCTGACCATCACGGGCAAGAAGCCCCCCTGCTGCGTGCTCTCCAACCCCGACC-3'

ClinVar aggregate classification (germline): Pathogenic (1 of 4 stars; one submission).

Submission:

GeneDx
Classification: Pathogenic. Last evaluated: 2017-01-23. Review status: criteria provided, single submitter. Criteria: GeneDx Variant Classification (06012015). Collection method: clinical testing. Allele origin: germline. Affected: yes.
Comment: The c.291_292delGGinsC variant in the NFIX gene has not been reported previously as a pathogenic variant nor as a benign variant, to our knowledge. The c.291_292delGGinsC variant replaces two nucleotides with one incorrect nucleotide, causing a frameshift starting with codon Glutamic acid 97, changing this amino acid to an Aspartic acid residue, and creating a premature Stop codon at position 5 of the new reading frame, denoted p.E97DfsX5. This variant is predicted to cause loss of normal protein function either through protein truncation or nonsense-mediated mRNA decay. The c.291_292delGGinsC variant was not observed in approximately 6500 individuals of European and African American ancestry in the NHLBI Exome Sequencing Project, indicating it is not a common benign variant in these populations. We interpret c.291_292delGGinsC as a pathogenic variant